The following is an entry in ClinVar:

ClinVar aggregate classification (germline): Likely benign (1 of 4 stars; one submission).

Allele frequency attached by ClinVar (database versions not stated): ExAC 0.00016; 1000 Genomes Project 30x 0.00031; gnomAD 0.00078.
gnomAD v4.1: 2,205 of 1,388,544 alleles (0.16%); highest among the groups gnomAD compares: Non-Finnish European, 0.19%; 7 homozygotes.

Submission:

CeGaT Center for Human Genetics Tuebingen
Classification: Likely benign. Last evaluated: 2024-02-01. Review status: criteria provided, single submitter. Criteria: CeGaT Center For Human Genetics Tuebingen Variant Classification Criteria Version 2. Collection method: clinical testing. Allele origin: germline. Affected: yes. Observed: 1 variant allele.
Comment: OTUD7A: BP4, BP7

NM_001382637.1(OTUD7A):c.2577C>G (p.Thr859=)

Gene: OTUD7A (OTU deubiquitinase 7A; minus strand). Cytogenetic location: 15q13.3.
Variant type: single nucleotide variant.
Coding change: c.2577C>G on transcript NM_001382637.1 (MANE Select); coding-DNA position 2577, C replaced by G.
Protein change: p.Thr859=; no amino-acid change (threonine 859 retained).
Molecular consequence: synonymous variant.
Genome position (GRCh38, 1-based): chr15:31,483,519, G>C on the plus strand (C>G on the coding strand, the complement: OTUD7A is on the minus strand). VCF-style: chr15-31483519-G-C. GRCh37 (hg19) VCF-style: chr15-31775722-G-C.
Other names: c.2556C>G, p.Thr852= (NM_130901.3).
Identifiers: ClinVar variation 3025916 (VCV003025916.22), dbSNP rs759967630, ClinGen allele CA7453386.